The following is an entry in ClinVar:

NM_006580.4(CLDN16):c.518C>T (p.Ser173Phe)

Gene: CLDN16 (claudin 16; plus strand). Cytogenetic location: 3q28.
Variant type: single nucleotide variant.
Coding change: c.518C>T on transcript NM_006580.4 (MANE Select); coding-DNA position 518, C replaced by T.
Protein change: p.Ser173Phe; replaces serine 173 with phenylalanine.
Molecular consequence: missense variant.
Genome position (GRCh38, 1-based): chr3:190,408,449, C>T. VCF-style: chr3-190408449-C-T. GRCh37 (hg19) VCF-style: chr3-190126238-C-T.
Other names: c.518C>T, p.Ser173Phe (NM_001378492.1, NM_001378493.1); short protein forms S173F.
Identifiers: ClinVar variation 1715712 (VCV001715712.5), dbSNP rs1345543207, ClinGen allele CA355767226.

ClinVar aggregate classification (germline): Uncertain significance (1 of 4 stars; one submission).

gnomAD v4.1: 1 of 1,613,982 alleles (0.000062%); highest among the groups gnomAD compares: Non-Finnish European, 0.000085%; no homozygotes.

Submission:

Labcorp Genetics (formerly Invitae), Labcorp
Classification: Uncertain significance. Last evaluated: 2022-08-08. Review status: criteria provided, single submitter. Criteria: Invitae Variant Classification Sherloc (09022015). Collection method: clinical testing. Allele origin: germline.
Comment: This sequence change replaces serine, which is neutral and polar, with phenylalanine, which is neutral and non-polar, at codon 243 of the CLDN16 protein (p.Ser243Phe). This variant has not been reported in the literature in individuals affected with CLDN16-related conditions. This variant is present in population databases (no rsID available, gnomAD 0.0009%). In summary, the available evidence is currently insufficient to determine the role of this variant in disease. Therefore, it has been classified as a Variant of Uncertain Significance. Algorithms developed to predict the effect of missense changes on protein structure and function are either unavailable or do not agree on the potential impact of this missense change (SIFT: "Tolerated"; PolyPhen-2: "Probably Damaging"; Align-GVGD: "Class C0").